The following is an entry in ClinVar:

NM_014946.4(SPAST):c.*1156T>C

Gene: SPAST (spastin; plus strand). Cytogenetic location: 2p22.3.
Variant type: single nucleotide variant.
Coding change: c.*1156T>C on transcript NM_014946.4 (MANE Select); 1156 bases downstream of the stop codon, T replaced by C.
Molecular consequence: 3 prime UTR variant.
Genome position (GRCh38, 1-based): chr2:32,155,652, T>C. VCF-style: chr2-32155652-T-C. GRCh37 (hg19) VCF-style: chr2-32380721-T-C.
Other names: c.*1156T>C (NM_001363823.2, NM_001363875.2, NM_199436.2); c.*1280T>C (NM_001377959.1).
Identifiers: ClinVar variation 335855 (VCV000335855.5), dbSNP rs546193636, ClinGen allele CA10615327.

ClinVar aggregate classification (germline): Likely benign (1 of 4 stars; one submission).

Conditions:
Hereditary spastic paraplegia 4. Also called: Spastic paraplegia 4, autosomal dominant; Spastic Paraplegia 4; Familial spastic paraplegia autosomal dominant 2. Identifiers: Orphanet 100985, MedGen C1866855, MONDO:0008438, OMIM 182601.

Allele frequency attached by ClinVar (database versions not stated): gnomAD 0.00009 and 0.00013; TOPMed 0.00016; 1000 Genomes Project 30x 0.00078; 1000 Genomes Project 0.00080.
gnomAD v4.1: 19 of 152,668 alleles (0.012%); highest among the groups gnomAD compares: Admixed American, 0.12%; no homozygotes.

Submission:

Illumina Laboratory Services, Illumina
Classification: Likely benign for Hereditary spastic paraplegia 4. Last evaluated: 2018-01-12. Review status: criteria provided, single submitter. Criteria: ICSL Variant Classification Criteria 13 December 2019. Collection method: clinical testing. Allele origin: germline.
Comment: This variant was observed in the ICSL laboratory as part of a predisposition screen in an ostensibly healthy population. It had not been previously curated by ICSL or reported in the Human Gene Mutation Database (HGMD: prior to June 1st, 2018), and was therefore a candidate for classification through an automated scoring system. Utilizing variant allele frequency, disease prevalence and penetrance estimates, and inheritance mode, an automated score was calculated to assess if this variant is too frequent to cause the disease. Based on the score and internal cut-off values, a variant classified as likely benign is not then subjected to further curation. The score for this variant resulted in a classification of likely benign for this disease.